The following is an entry in ClinVar:

ClinVar aggregate classification (germline): Likely pathogenic (1 of 4 stars; one submission).

Conditions:
PRPH2-associated retinal disease.

Submission:

Institute of Human Genetics, Medical University Innsbruck
Classification: Likely pathogenic for PRPH2-associated retinal disease. Last evaluated: 2025-04-28. Review status: criteria provided, single submitter. Criteria: ACMG Guidelines, 2015. Collection method: clinical testing. Allele origin: de novo. Inheritance: Autosomal dominant inheritance. Affected: yes. Observed: 1 heterozygote.
Comment: ACMG Guidelines Support: PM1_Moderate: Located in a mutational hot spot and/or critical and well-established functional domain (e.g., active site of an enzyme) without benign variation PM2_Moderate: Absent from controls (or at extremely low frequency if recessive) in Exome Sequencing Project, 1000 Genomes Project, or Exome Aggregation Consortium. Caveat: Population data for insertions/deletions may be poorly called by next-generation sequencing. PM6_Moderate: Assumed de novo, but without confirmation of paternity and maternity PP3_Supporting: Multiple lines of computational evidence support a deleterious effect on the gene or gene product (conservation, evolutionary, splicing impact, etc.) Caveat: Because many in silico algorithms use the same or very similar input for their predictions, each algorithm should not be counted as an independent criterion. PP3 can be used only once in any evaluation of a variant. → User defined classification: Likely Pathogenic (score: 7)

NM_000322.5(PRPH2):c.356G>A (p.Cys119Tyr)

Gene: PRPH2 (peripherin 2; minus strand). Cytogenetic location: 6p21.1.
Variant type: single nucleotide variant.
Coding change: c.356G>A on transcript NM_000322.5 (MANE Select); coding-DNA position 356, G replaced by A.
Protein change: p.Cys119Tyr; replaces cysteine 119 with tyrosine.
Molecular consequence: missense variant.
Genome position (GRCh38, 1-based): chr6:42,721,979, C>T on the plus strand (G>A on the coding strand, the complement: PRPH2 is on the minus strand). VCF-style: chr6-42721979-C-T. GRCh37 (hg19) VCF-style: chr6-42689717-C-T.
Other names: short protein forms C119Y.
Identifiers: ClinVar variation 3906839 (VCV003906839.1).
Genomic context (GRCh38, chr6:42,721,979, plus strand): 5'-TTCATGCCGTTCTTGAGCCCTTGGCCCAGGGTGTTCTCCAGCGAGCCCCGAAGCAGAAAG[C>T]AGCAGAGAGCCACAAGGAAGAGGATGATGTTGAAGAGAACACAGATAGCCAGGTACGGCT-3'
Protein context (NP_000313.2, residues 109-129): NIILFLVALC[Cys119Tyr]FLLRGSLENT